The following is an entry in ClinVar:

NM_001144967.3(NEDD4L):c.128C>T (p.Pro43Leu)

Gene: NEDD4L (NEDD4 like E3 ubiquitin protein ligase; plus strand). Cytogenetic location: 18q21.31.
Variant type: single nucleotide variant.
Coding change: c.128C>T on transcript NM_001144967.3 (MANE Select); coding-DNA position 128, C replaced by T.
Protein change: p.Pro43Leu; replaces proline 43 with leucine.
Molecular consequence: missense variant. On other transcripts: 5 prime UTR variant (5).
Genome position (GRCh38, 1-based): chr18:58,245,432, C>T. VCF-style: chr18-58245432-C-T. GRCh37 (hg19) VCF-style: chr18-55912664-C-T.
Other names: c.-236C>T (NM_001144964.1, NM_001144965.2, NM_001144966.3 and 2 more transcripts); c.104C>T, p.Pro35Leu (NM_001144968.2, NM_001144969.2); c.128C>T, p.Pro43Leu (NM_001243960.2, NM_015277.6); short protein forms P35L, P43L.
Identifiers: ClinVar variation 3001227 (VCV003001227.3), dbSNP rs1168022706, ClinGen allele CA402715573.

ClinVar aggregate classification (germline): Uncertain significance (1 of 4 stars; one submission).

Allele frequency attached by ClinVar (database versions not stated): gnomAD exomes below 0.00001.
gnomAD v4.1: 3 of 1,508,620 alleles (0.0002%); highest among the groups gnomAD compares: Non-Finnish European, 0.000091%; no homozygotes.

Submission:

Labcorp Genetics (formerly Invitae), Labcorp
Classification: Uncertain significance. Last evaluated: 2023-12-21. Review status: criteria provided, single submitter. Criteria: Invitae Variant Classification Sherloc (09022015). Collection method: clinical testing. Allele origin: germline.
Comment: This sequence change replaces proline, which is neutral and non-polar, with leucine, which is neutral and non-polar, at codon 43 of the NEDD4L protein (p.Pro43Leu). The frequency data for this variant in the population databases is considered unreliable, as metrics indicate poor data quality at this position in the gnomAD database. This variant has not been reported in the literature in individuals affected with NEDD4L-related conditions. Advanced modeling of protein sequence and biophysical properties (such as structural, functional, and spatial information, amino acid conservation, physicochemical variation, residue mobility, and thermodynamic stability) performed at Invitae indicates that this missense variant is expected to disrupt NEDD4L protein function with a positive predictive value of 80%. In summary, the available evidence is currently insufficient to determine the role of this variant in disease. Therefore, it has been classified as a Variant of Uncertain Significance.